The following is an entry in ClinVar:

NM_000883.4(IMPDH1):c.1237G>A (p.Gly413Ser)

Gene: IMPDH1 (inosine monophosphate dehydrogenase 1; minus strand). Cytogenetic location: 7q32.1.
Variant type: single nucleotide variant.
Coding change: c.1237G>A on transcript NM_000883.4 (MANE Select); coding-DNA position 1237, G replaced by A.
Protein change: p.Gly413Ser; replaces glycine 413 with serine.
Molecular consequence: missense variant.
Genome position (GRCh38, 1-based): chr7:128,396,624, C>T on the plus strand (G>A on the coding strand, the complement: IMPDH1 is on the minus strand). VCF-style: chr7-128396624-C-T. GRCh37 (hg19) VCF-style: chr7-128036678-C-T.
Other names: c.1237G>A (NM_000883.3); c.1207G>A, p.Gly403Ser (NM_001102605.2); c.982G>A, p.Gly328Ser (NM_001142573.2); c.967G>A, p.Gly323Ser (NM_001142574.2); c.907G>A, p.Gly303Ser (NM_001142575.2); c.1138G>A, p.Gly380Ser (NM_001142576.2); c.1030G>A, p.Gly344Ser (NM_001304521.2); c.1129G>A, p.Gly377Ser (NM_183243.3); short protein forms G303S, G403S, G323S, G377S, G328S, G413S, G344S, G380S.
Identifiers: ClinVar variation 1401273 (VCV001401273.7), dbSNP rs1167056466, ClinGen allele CA369165006.

ClinVar aggregate classification (germline): Uncertain significance. Review status: criteria provided, multiple submitters, no conflicts (2 of 4 stars). 2 submissions from 2 submitters: Uncertain significance (2). Last evaluated 2026-04-01.

Conditions:
Inborn genetic diseases. Identifiers: MedGen C0950123, MeSH D030342.

Allele frequency attached by ClinVar (database versions not stated): TOPMed 0.00002; gnomAD exomes 0.00001; gnomAD 0.00001.
gnomAD v4.1: 17 of 1,555,264 alleles (0.0011%); highest among the groups gnomAD compares: Non-Finnish European, 0.0014%; no homozygotes.

Submissions (2):

Ambry Genetics
Classification: Uncertain significance for Inborn genetic diseases. Last evaluated: 2026-04-01. Review status: criteria provided, single submitter. Criteria: Ambry Variant Classification Scheme 2023. Collection method: clinical testing. Allele origin: germline.

Labcorp Genetics (formerly Invitae), Labcorp
Classification: Uncertain significance. Last evaluated: 2025-05-05. Review status: criteria provided, single submitter. Criteria: Invitae Variant Classification Sherloc (09022015). Collection method: clinical testing. Allele origin: germline.
Comment: This sequence change replaces glycine, which is neutral and non-polar, with serine, which is neutral and polar, at codon 413 of the IMPDH1 protein (p.Gly413Ser). This variant is present in population databases (no rsID available, gnomAD no frequency). This variant has not been reported in the literature in individuals affected with IMPDH1-related conditions. ClinVar contains an entry for this variant (Variation ID: 1401273). An algorithm developed to predict the effect of missense changes on protein structure and function (PolyPhen-2) suggests that this variant is likely to be disruptive. In summary, the available evidence is currently insufficient to determine the role of this variant in disease. Therefore, it has been classified as a Variant of Uncertain Significance.